The following is an entry in ClinVar:

ClinVar aggregate classification (germline): Uncertain significance (1 of 4 stars; one submission).

Allele frequency attached by ClinVar (database versions not stated): gnomAD 0.00001; gnomAD exomes 0.00001; TOPMed 0.00001; ExAC 0.00002.

Submission:

Labcorp Genetics (formerly Invitae), Labcorp
Classification: Uncertain significance. Last evaluated: 2025-07-09. Review status: criteria provided, single submitter. Criteria: Invitae Variant Classification Sherloc (09022015). Collection method: clinical testing. Allele origin: germline.
Comment: This sequence change replaces glycine, which is neutral and non-polar, with arginine, which is basic and polar, at codon 515 of the MYH3 protein (p.Gly515Arg). This variant is present in population databases (rs762158001, gnomAD 0.003%). This variant has not been reported in the literature in individuals affected with MYH3-related conditions. ClinVar contains an entry for this variant (Variation ID: 2981868). Invitae Evidence Modeling of protein sequence and biophysical properties (such as structural, functional, and spatial information, amino acid conservation, physicochemical variation, residue mobility, and thermodynamic stability) has been performed for this missense variant. However, the output from this modeling did not meet the statistical confidence thresholds required to predict the impact of this variant on MYH3 protein function. In summary, the available evidence is currently insufficient to determine the role of this variant in disease. Therefore, it has been classified as a Variant of Uncertain Significance.

NM_002470.4(MYH3):c.1543G>A (p.Gly515Arg)

Gene: MYH3 (myosin heavy chain 3; minus strand). Cytogenetic location: 17p13.1.
Variant type: single nucleotide variant.
Coding change: c.1543G>A on transcript NM_002470.4 (MANE Select); coding-DNA position 1543, G replaced by A.
Protein change: p.Gly515Arg; replaces glycine 515 with arginine.
Molecular consequence: missense variant.
Genome position (GRCh38, 1-based): chr17:10,642,864, C>T on the plus strand (G>A on the coding strand, the complement: MYH3 is on the minus strand). VCF-style: chr17-10642864-C-T. GRCh37 (hg19) VCF-style: chr17-10546181-C-T.
Other names: short protein forms G515R.
Identifiers: ClinVar variation 2981868 (VCV002981868.3), dbSNP rs762158001, ClinGen allele CA8392988.
Genomic context (GRCh38, chr17:10,642,864, plus strand): 5'-CGGTGGGGATGGAACTGGATACCTTCTCGATGAGCTCGATGCAGGCAGCCAGGTCCATCC[C>T]GAAGTCAATGAACGTCCACTCGATGCCTTCCTTCTTGTACTCCTCCTGCTCCAGCACGAA-3'
Protein context (NP_002461.2, residues 505-525): EGIEWTFIDF[Gly515Arg]MDLAACIELI